The following is an entry in ClinVar:

ClinVar aggregate classification (germline): Pathogenic (1 of 4 stars; one submission).

Submission:

Labcorp Genetics (formerly Invitae), Labcorp
Classification: Pathogenic. Last evaluated: 2024-02-07. Review status: criteria provided, single submitter. Criteria: Invitae Variant Classification Sherloc (09022015). Collection method: clinical testing. Allele origin: germline.
Comment: This sequence change creates a premature translational stop signal (p.Ala2363Glyfs*52) in the PCNT gene. It is expected to result in an absent or disrupted protein product. Loss-of-function variants in PCNT are known to be pathogenic (PMID: 18174396, 22821869). This variant is not present in population databases (gnomAD no frequency). This variant has not been reported in the literature in individuals affected with PCNT-related conditions. For these reasons, this variant has been classified as Pathogenic.

Literature cited by the submitters: PubMed 18174396; PubMed 22821869.

NM_006031.6(PCNT):c.7087_7088insGGGCCCATACCCCGAAAATGTTGGTTATACCCTTCCCGTA (p.Ala2363fs)

Gene: PCNT (pericentrin; plus strand). Cytogenetic location: 21q22.3.
Variant type: Insertion.
Coding change: c.7087_7088insGGGCCCATACCCCGAAAATGTTGGTTATACCCTTCCCGTA on transcript NM_006031.6 (MANE Select); coding-DNA positions 7087 to 7088, GGGCCCATACCCCGAAAATGTTGGTTATACCCTTCCCGTA inserted.
Protein change: p.Ala2363fs; shifts the reading frame from alanine 2363.
Molecular consequence: frameshift variant.
Genome position: GRCh38: chr21:46,422,032-46,422,033. GRCh37 (hg19): chr21:47,841,946-47,841,947.
Other names: c.6733_6734insGGGCCCATACCCCGAAAATGTTGGTTATACCCTTCCCGTA, p.Ala2245fs (NM_001315529.2); short protein forms A2245fs, A2363fs.
Identifiers: ClinVar variation 3632360 (VCV003632360.2).